The following is an entry in ClinVar:

ClinVar aggregate classification (germline): Uncertain significance. Review status: criteria provided, multiple submitters, no conflicts (2 of 4 stars). 3 submissions from 3 submitters: Uncertain significance (3). Last evaluated 2024-09-01.

Conditions:
Hereditary cancer-predisposing syndrome. Also called: Tumor predisposition; Hereditary Cancer Syndrome; Hereditary neoplastic syndrome; Neoplastic Syndromes, Hereditary. Identifiers: Orphanet 140162, MedGen C0027672, MeSH D009386, MONDO:0015356.
Hereditary diffuse gastric adenocarcinoma (HDGC). Also called: DIFFUSE GASTRIC AND LOBULAR BREAST CANCER SYNDROME. Identifiers: Orphanet 26106, MedGen C1708349, MONDO:0007648, OMIM 137215.

Submissions (3):

Ambry Genetics
Classification: Uncertain significance for Hereditary cancer-predisposing syndrome. Last evaluated: 2024-09-01. Review status: criteria provided, single submitter. Criteria: Ambry Variant Classification Scheme 2023. Collection method: clinical testing. Allele origin: germline.
Comment: The p.K437Q variant (also known as c.1309A>C), located in coding exon 9 of the CDH1 gene, results from an A to C substitution at nucleotide position 1309. The lysine at codon 437 is replaced by glutamine, an amino acid with similar properties. This amino acid position is well conserved in available vertebrate species. In addition, this alteration is predicted to be tolerated by in silico analysis. Since supporting evidence is limited at this time, the clinical significance of this alteration remains unclear.

Color Diagnostics, LLC DBA Color Health
Classification: Uncertain significance for Hereditary cancer-predisposing syndrome. Last evaluated: 2023-12-04. Review status: criteria provided, single submitter. Criteria: ACMG Guidelines, 2015. Collection method: clinical testing. Allele origin: germline.
Comment: This missense variant replaces lysine with glutamine at codon 437 of the CDH1 protein. To our knowledge, functional studies have not been reported for this variant. This variant has not been reported in individuals affected with hereditary cancer in the literature. This variant has not been identified in the general population by the Genome Aggregation Database (gnomAD). The available evidence is insufficient to determine the role of this variant in disease conclusively. Therefore, this variant is classified as a Variant of Uncertain Significance.

Labcorp Genetics (formerly Invitae), Labcorp
Classification: Uncertain significance for Hereditary diffuse gastric adenocarcinoma. Last evaluated: 2023-08-04. Review status: criteria provided, single submitter. Criteria: Invitae Variant Classification Sherloc (09022015). Collection method: clinical testing. Allele origin: germline.
Comment: In summary, the available evidence is currently insufficient to determine the role of this variant in disease. Therefore, it has been classified as a Variant of Uncertain Significance. An algorithm developed to predict the effect of missense changes on protein structure and function (PolyPhen-2) suggests that this variant is likely to be tolerated. This sequence change replaces lysine, which is basic and polar, with glutamine, which is neutral and polar, at codon 437 of the CDH1 protein (p.Lys437Gln). This variant is not present in population databases (gnomAD no frequency). This variant has not been reported in the literature in individuals affected with CDH1-related conditions. ClinVar contains an entry for this variant (Variation ID: 184984).

NM_004360.5(CDH1):c.1309A>C (p.Lys437Gln)

Gene: CDH1 (cadherin 1; plus strand). Cytogenetic location: 16q22.1.
Variant type: single nucleotide variant.
Coding change: c.1309A>C on transcript NM_004360.5 (MANE Select); coding-DNA position 1309, A replaced by C.
Protein change: p.Lys437Gln; replaces lysine 437 with glutamine.
Molecular consequence: missense variant. On other transcripts: 5 prime UTR variant (2), intron variant (1).
Genome position (GRCh38, 1-based): chr16:68,813,484, A>C. VCF-style: chr16-68813484-A-C. GRCh37 (hg19) VCF-style: chr16-68847387-A-C.
Other names: c.1309A>C (LRG_301t1); c.-307A>C (NM_001317185.2); c.-511A>C (NM_001317186.2); c.1137+1221A>C (NM_001317184.2); short protein forms K437Q.
Identifiers: ClinVar variation 184984 (VCV000184984.22), dbSNP rs786201841, ClinGen allele CA190680.